The following is an entry in ClinVar:

NM_001330078.2(NRXN1):c.752G>A (p.Arg251His)

Gene: NRXN1 (neurexin 1; minus strand). Cytogenetic location: 2p16.3.
Variant type: single nucleotide variant.
Coding change: c.752G>A on transcript NM_001330078.2 (MANE Select); coding-DNA position 752, G replaced by A.
Protein change: p.Arg251His; replaces arginine 251 with histidine.
Molecular consequence: missense variant.
Genome position (GRCh38, 1-based): chr2:51,027,522, C>T on the plus strand (G>A on the coding strand, the complement: NRXN1 is on the minus strand). VCF-style: chr2-51027522-C-T. GRCh37 (hg19) VCF-style: chr2-51254660-C-T.
Other names: c.752G>A, p.Arg251His (NM_001135659.3, NM_001330077.2, NM_001330079.2 and 15 more transcripts); short protein forms R251H.
Identifiers: ClinVar variation 336553 (VCV000336553.14), dbSNP rs780954241, ClinGen allele CA1655418.

ClinVar aggregate classification (germline): Uncertain significance. Review status: criteria provided, multiple submitters, no conflicts (2 of 4 stars). 4 submissions from 4 submitters: Uncertain significance (4). Last evaluated 2026-02-02.

Conditions:
Pitt-Hopkins-like syndrome 2 (PTHSL2). Identifiers: Orphanet 221150, Orphanet 600663, MedGen C3280479, MONDO:0013690, OMIM 614325.

Allele frequency attached by ClinVar (database versions not stated): ExAC 0.00001; gnomAD exomes 0.00001.
gnomAD v4.1: 4 of 1,548,278 alleles (0.00026%); highest among the groups gnomAD compares: East Asian, 0.0023%; no homozygotes.

Submissions (4):

Labcorp Genetics (formerly Invitae), Labcorp
Classification: Uncertain significance for Pitt-Hopkins-like syndrome 2. Last evaluated: 2026-02-02. Review status: criteria provided, single submitter. Criteria: Invitae Variant Classification Sherloc (09022015). Collection method: clinical testing. Allele origin: germline.
Comment: This sequence change replaces arginine, which is basic and polar, with histidine, which is basic and polar, at codon 251 of the NRXN1 protein (p.Arg251His). The frequency data for this variant in the population databases is considered unreliable, as metrics indicate poor data quality at this position in the gnomAD database. This variant has not been reported in the literature in individuals affected with NRXN1-related conditions. ClinVar contains an entry for this variant (Variation ID: 336553). An algorithm developed to predict the effect of missense changes on protein structure and function outputs the following: PolyPhen-2: "Benign". The histidine amino acid residue is found in multiple mammalian species, which suggests that this missense change does not adversely affect protein function. In summary, the available evidence is currently insufficient to determine the role of this variant in disease. Therefore, it has been classified as a Variant of Uncertain Significance.

GeneDx
Classification: Uncertain significance. Last evaluated: 2018-11-08. Review status: criteria provided, single submitter. Criteria: GeneDx Variant Classification (06012015). Collection method: clinical testing. Allele origin: germline. Affected: yes.
Comment: The R251H variant has not been published as a pathogenic variant, nor has it been reported as a benign variant to our knowledge. This variant is not observed in large population cohorts (Lek et al., 2016). The R251H variant is a conservative amino acid substitution, which is not likely to impact secondary proteinstructure as these residues share similar properties. However, this substitution occurs at a position that is conserved in mammals. In silico analysis is inconsistent in its predictions as to whether or not the variant is damaging to the protein structure/function. Therefore, based on the currently available information, it is unclear whether this variant is a pathogenic variant or a rare benign variant.

Illumina Laboratory Services, Illumina
Classification: Uncertain significance for Pitt-Hopkins-like syndrome 2. Last evaluated: 2018-01-13. Review status: criteria provided, single submitter. Criteria: ICSL Variant Classification Criteria 13 December 2019. Collection method: clinical testing. Allele origin: germline.

Eurofins Ntd Llc (ga)
Classification: Uncertain significance. Last evaluated: 2017-08-08. Review status: criteria provided, single submitter. Criteria: EGL Classification Definitions 2015. Collection method: clinical testing. Allele origin: germline. Observed: 1 variant allele, 1 heterozygote.